The following is an entry in ClinVar:

NM_000160.5(GCGR):c.217G>A (p.Ala73Thr)

Gene: GCGR (glucagon receptor; plus strand). Cytogenetic location: 17q25.3.
Variant type: single nucleotide variant.
Coding change: c.217G>A on transcript NM_000160.5 (MANE Select); coding-DNA position 217, G replaced by A.
Protein change: p.Ala73Thr; replaces alanine 73 with threonine.
Molecular consequence: missense variant.
Genome position (GRCh38, 1-based): chr17:81,810,878, G>A. VCF-style: chr17-81810878-G-A. GRCh37 (hg19) VCF-style: chr17-79768754-G-A.
Other names: short protein forms A73T.
Identifiers: ClinVar variation 1991991 (VCV001991991.4), dbSNP rs868431560, ClinGen allele CA295099144.

ClinVar aggregate classification (germline): Uncertain significance (1 of 4 stars; one submission).

Allele frequency attached by ClinVar (database versions not stated): gnomAD exomes 0.00002.
gnomAD v4.1: 34 of 1,502,590 alleles (0.0023%); highest among the groups gnomAD compares: African/African-American, 0.018%; no homozygotes.

Submission:

Labcorp Genetics (formerly Invitae), Labcorp
Classification: Uncertain significance. Last evaluated: 2024-10-28. Review status: criteria provided, single submitter. Criteria: Invitae Variant Classification Sherloc (09022015). Collection method: clinical testing. Allele origin: germline.
Comment: This sequence change replaces alanine, which is neutral and non-polar, with threonine, which is neutral and polar, at codon 73 of the GCGR protein (p.Ala73Thr). The frequency data for this variant in the population databases is considered unreliable, as metrics indicate poor data quality at this position in the gnomAD database. This variant has not been reported in the literature in individuals affected with GCGR-related conditions. ClinVar contains an entry for this variant (Variation ID: 1991991). An algorithm developed to predict the effect of missense changes on protein structure and function (PolyPhen-2) suggests that this variant is likely to be tolerated. In summary, the available evidence is currently insufficient to determine the role of this variant in disease. Therefore, it has been classified as a Variant of Uncertain Significance.